The following is an entry in ClinVar:

NM_006269.2(RP1):c.4781A>G (p.Tyr1594Cys)

Gene: RP1 (RP1 axonemal microtubule associated; plus strand). Cytogenetic location: 8q12.1.
Variant type: single nucleotide variant.
Coding change: c.4781A>G on transcript NM_006269.2 (MANE Select); coding-DNA position 4781, A replaced by G.
Protein change: p.Tyr1594Cys; replaces tyrosine 1594 with cysteine.
Molecular consequence: missense variant. On other transcripts: intron variant (1).
Genome position (GRCh38, 1-based): chr8:54,628,663, A>G. VCF-style: chr8-54628663-A-G. GRCh37 (hg19) VCF-style: chr8-55541223-A-G.
Other names: c.787+6375A>G (NM_001375654.1); c.4781A>G (NM_006269.1); short protein forms Y1594C.
Identifiers: ClinVar variation 1359667 (VCV001359667.12), dbSNP rs749707126, ClinGen allele CA4751945.

ClinVar aggregate classification (germline): Uncertain significance. Review status: criteria provided, multiple submitters, no conflicts (2 of 4 stars). 5 submissions from 5 submitters: Uncertain significance (5). Last evaluated 2026-08-10.

Conditions:
Retinal dystrophy. Also called: Inherited retinal dystrophy. Identifiers: Orphanet 71862, MedGen C0854723, MeSH D058499, MONDO:0019118, HP:0000556.
Inborn genetic diseases. Identifiers: MedGen C0950123, MeSH D030342.
RP1-related disorder. Also called: RP1-related condition.

Allele frequency attached by ClinVar (database versions not stated): gnomAD 0.00002 and 0.00003; gnomAD exomes 0.00002 and 0.00001; TOPMed 0.00003; ExAC 0.00002.
gnomAD v4.1: 17 of 1,613,998 alleles (0.0011%); highest among the groups gnomAD compares: African/African-American, 0.0093%; no homozygotes.

Submissions (5):

PreventionGenetics, part of Exact Sciences
Classification: Uncertain significance for RP1-related condition. Last evaluated: 2026-08-10. Review status: criteria provided, single submitter. Criteria: ACMG Guidelines, 2015. Collection method: clinical testing. Allele origin: germline.
Comment: The RP1 c.4781A>G variant is predicted to result in the amino acid substitution p.Tyr1594Cys. To our knowledge, this variant has not been reported in the literature. This variant is reported in 0.018% of alleles in individuals of African descent in gnomAD. At this time, the clinical significance of this variant is uncertain due to the absence of conclusive functional and genetic evidence.

Ambry Genetics
Classification: Uncertain significance for Inborn genetic diseases. Last evaluated: 2025-12-11. Review status: criteria provided, single submitter. Criteria: Ambry Variant Classification Scheme 2023. Collection method: clinical testing. Allele origin: germline.

Blueprint Genetics
Classification: Uncertain significance. Last evaluated: 2024-07-01. Review status: criteria provided, single submitter. Criteria: ACMG Guidelines, 2015. Collection method: clinical testing. Allele origin: germline.

Dept Of Ophthalmology, Nagoya University
Classification: Uncertain significance for Retinal dystrophy. Last evaluated: 2023-10-01. Review status: criteria provided, single submitter. Criteria: Submitter's publication. Collection method: research. Allele origin: germline. Affected: yes.

Labcorp Genetics (formerly Invitae), Labcorp
Classification: Uncertain significance. Last evaluated: 2022-10-27. Review status: criteria provided, single submitter. Criteria: Invitae Variant Classification Sherloc (09022015). Collection method: clinical testing. Allele origin: germline.
Comment: In summary, the available evidence is currently insufficient to determine the role of this variant in disease. Therefore, it has been classified as a Variant of Uncertain Significance. Algorithms developed to predict the effect of missense changes on protein structure and function output the following: SIFT: "Deleterious"; PolyPhen-2: "Benign"; Align-GVGD: "Class C0". The cysteine amino acid residue is found in multiple mammalian species, which suggests that this missense change does not adversely affect protein function. ClinVar contains an entry for this variant (Variation ID: 1359667). This variant has not been reported in the literature in individuals affected with RP1-related conditions. This variant is present in population databases (rs749707126, gnomAD 0.02%). This sequence change replaces tyrosine, which is neutral and polar, with cysteine, which is neutral and slightly polar, at codon 1594 of the RP1 protein (p.Tyr1594Cys).